The following is an entry in ClinVar:

NM_001165963.4(SCN1A):c.5099G>C (p.Gly1700Ala)

Genes: SCN1A (sodium voltage-gated channel alpha subunit 1; minus strand), LOC102724058 (uncharacterized LOC102724058; plus strand). Cytogenetic location: 2q24.3.
Variant type: single nucleotide variant.
Coding change: c.5099G>C on transcript NM_001165963.4 (MANE Select); coding-DNA position 5099, G replaced by C.
Protein change: p.Gly1700Ala; replaces glycine 1700 with alanine.
Molecular consequence: missense variant. On other transcripts: non-coding transcript variant (1).
Genome position (GRCh38, 1-based): chr2:165,992,176, C>G on the plus strand (G>C on the coding strand, the complement: SCN1A is on the minus strand). VCF-style: chr2-165992176-C-G. GRCh37 (hg19) VCF-style: chr2-166848686-C-G.
Other names: c.5015G>C, p.Gly1672Ala (NM_001165964.3, NM_001353957.2, NM_001353958.2); c.5099G>C, p.Gly1700Ala (NM_001202435.3, NM_001353948.2); c.5066G>C, p.Gly1689Ala (NM_001353949.2, NM_001353950.2, NM_001353951.2 and 2 more transcripts); c.5063G>C, p.Gly1688Ala (NM_001353954.2, NM_001353955.2); c.5012G>C, p.Gly1671Ala (NM_001353960.2); c.2657G>C, p.Gly886Ala (NM_001353961.2); short protein forms G1689A, G1700A, G886A, G1688A, G1671A, G1672A.
Identifiers: ClinVar variation 3692250 (VCV003692250.2).

ClinVar aggregate classification (germline): Uncertain significance (1 of 4 stars; one submission).

Conditions:
Early-infantile DEE. Also called: Ohtahara syndrome; Early infantile epileptic encephalopathy with suppression bursts; Early infantile epileptic encephalopathy. Identifiers: Orphanet 1934, MedGen C0393706, MONDO:0800491.

Submission:

Labcorp Genetics (formerly Invitae), Labcorp
Classification: Uncertain significance for Early-infantile DEE. Last evaluated: 2024-04-24. Review status: criteria provided, single submitter. Criteria: Invitae Variant Classification Sherloc (09022015). Collection method: clinical testing. Allele origin: germline.
Comment: This sequence change replaces glycine, which is neutral and non-polar, with alanine, which is neutral and non-polar, at codon 1700 of the SCN1A protein (p.Gly1700Ala). This variant is not present in population databases (gnomAD no frequency). This variant has not been reported in the literature in individuals affected with SCN1A-related conditions. Advanced modeling of protein sequence and biophysical properties (such as structural, functional, and spatial information, amino acid conservation, physicochemical variation, residue mobility, and thermodynamic stability) performed at Invitae indicates that this missense variant is expected to disrupt SCN1A protein function with a positive predictive value of 95%. In summary, the available evidence is currently insufficient to determine the role of this variant in disease. Therefore, it has been classified as a Variant of Uncertain Significance.